The following is an entry in ClinVar:

NM_002317.7(LOX):c.584C>A (p.Pro195His)

Genes: LOX (lysyl oxidase; minus strand), SRFBP1 (serum response factor binding protein 1; plus strand). Cytogenetic location: 5q23.1.
Variant type: single nucleotide variant.
Coding change: c.584C>A on transcript NM_002317.7 (MANE Select); coding-DNA position 584, C replaced by A.
Protein change: p.Pro195His; replaces proline 195 with histidine.
Molecular consequence: missense variant.
Genome position (GRCh38, 1-based): chr5:122,077,402, G>T on the plus strand (C>A on the coding strand, the complement: LOX is on the minus strand). VCF-style: chr5-122077402-G-T. GRCh37 (hg19) VCF-style: chr5-121413097-G-T.
Other names: short protein forms P195H.
Identifiers: ClinVar variation 3630567 (VCV003630567.2).
Genomic context (GRCh38, chr5:122,077,402, plus strand): 5'-TGGGGGTACTTACCGTACTGGAAGTAGCCAGTGCCGTATCCGGGCCGGTACCTGCCCCCA[G>T]GTCTGGGCCTTTCATAAGTATCGTAGTAGTTGTAATAAGGGTTGTCGTCAGAGTACTTGT-3'
Protein context (NP_002308.2, residues 185-205): NYYDTYERPR[Pro195His]GGRYRPGYGT

ClinVar aggregate classification (germline): Uncertain significance (1 of 4 stars; one submission).

Submission:

Labcorp Genetics (formerly Invitae), Labcorp
Classification: Uncertain significance. Last evaluated: 2024-08-14. Review status: criteria provided, single submitter. Criteria: Invitae Variant Classification Sherloc (09022015). Collection method: clinical testing. Allele origin: germline.
Comment: This sequence change replaces proline, which is neutral and non-polar, with histidine, which is basic and polar, at codon 195 of the LOX protein (p.Pro195His). This variant is not present in population databases (gnomAD no frequency). This variant has not been reported in the literature in individuals affected with LOX-related conditions. Invitae Evidence Modeling of protein sequence and biophysical properties (such as structural, functional, and spatial information, amino acid conservation, physicochemical variation, residue mobility, and thermodynamic stability) indicates that this missense variant is not expected to disrupt LOX protein function with a negative predictive value of 80%. In summary, the available evidence is currently insufficient to determine the role of this variant in disease. Therefore, it has been classified as a Variant of Uncertain Significance.